The following is an entry in ClinVar:

NM_002351.5(SH2D1A):c.351A>G (p.Ile117Met)

Gene: SH2D1A (SH2 domain containing 1A; plus strand). Cytogenetic location: Xq25.
Variant type: single nucleotide variant.
Coding change: c.351A>G on transcript NM_002351.5 (MANE Select); coding-DNA position 351, A replaced by G.
Protein change: p.Ile117Met; replaces isoleucine 117 with methionine.
Molecular consequence: missense variant.
Genome position (GRCh38, 1-based): chrX:124,371,355, A>G. VCF-style: chrX-124371355-A-G. GRCh37 (hg19) VCF-style: chrX-123505205-A-G.
Other names: c.342A>G, p.Ile114Met (NM_001114937.3); short protein forms I114M, I117M.
Identifiers: ClinVar variation 1488910 (VCV001488910.8), dbSNP rs2147534671, ClinGen allele CA414125066.

ClinVar aggregate classification (germline): Uncertain significance (1 of 4 stars; one submission).

Conditions:
X-linked lymphoproliferative disease due to SH2D1A deficiency (XLP1). Also called: DUNCAN DISEASE; IMMUNODEFICIENCY 5; IMMUNODEFICIENCY, X-LINKED PROGRESSIVE COMBINED VARIABLE; INFECTIOUS MONONUCLEOSIS, SEVERE, SUSCEPTIBILITY TO; PURTILO SYNDROME; SH2D1A-Related Lymphoproliferative Disease, X-Linked. Identifiers: Orphanet 2442, Orphanet 538931, MedGen C5399825, MONDO:0024551, OMIM 308240.

Submission:

Labcorp Genetics (formerly Invitae), Labcorp
Classification: Uncertain significance for X-linked lymphoproliferative disease due to SH2D1A deficiency. Last evaluated: 2022-10-17. Review status: criteria provided, single submitter. Criteria: Invitae Variant Classification Sherloc (09022015). Collection method: clinical testing. Allele origin: germline.
Comment: This sequence change replaces isoleucine, which is neutral and non-polar, with methionine, which is neutral and non-polar, at codon 117 of the SH2D1A protein (p.Ile117Met). This variant is not present in population databases (gnomAD no frequency). This variant has not been reported in the literature in individuals affected with SH2D1A-related conditions. ClinVar contains an entry for this variant (Variation ID: 1488910). Algorithms developed to predict the effect of missense changes on protein structure and function (SIFT, PolyPhen-2, Align-GVGD) all suggest that this variant is likely to be tolerated. In summary, the available evidence is currently insufficient to determine the role of this variant in disease. Therefore, it has been classified as a Variant of Uncertain Significance.